The following is an entry in ClinVar:

ClinVar aggregate classification (germline): Uncertain significance (1 of 4 stars; one submission).

gnomAD v4.1: 16 of 1,613,930 alleles (0.00099%); highest among the groups gnomAD compares: Non-Finnish European, 0.0014%; no homozygotes.

Submission:

Labcorp Genetics (formerly Invitae), Labcorp
Classification: Uncertain significance. Last evaluated: 2024-07-01. Review status: criteria provided, single submitter. Criteria: Invitae Variant Classification Sherloc (09022015). Collection method: clinical testing. Allele origin: germline.
Comment: This sequence change replaces arginine, which is basic and polar, with tryptophan, which is neutral and slightly polar, at codon 146 of the HMCN1 protein (p.Arg146Trp). This variant is not present in population databases (gnomAD no frequency). This variant has not been reported in the literature in individuals affected with HMCN1-related conditions. An algorithm developed to predict the effect of missense changes on protein structure and function (PolyPhen-2) suggests that this variant is likely to be disruptive. In summary, the available evidence is currently insufficient to determine the role of this variant in disease. Therefore, it has been classified as a Variant of Uncertain Significance.

NM_031935.3(HMCN1):c.436C>T (p.Arg146Trp)

Gene: HMCN1 (hemicentin 1; plus strand). Cytogenetic location: 1q31.1.
Variant type: single nucleotide variant.
Coding change: c.436C>T on transcript NM_031935.3 (MANE Select); coding-DNA position 436, C replaced by T.
Protein change: p.Arg146Trp; replaces arginine 146 with tryptophan.
Molecular consequence: missense variant.
Genome position (GRCh38, 1-based): chr1:185,864,566, C>T. VCF-style: chr1-185864566-C-T. GRCh37 (hg19) VCF-style: chr1-185833698-C-T.
Other names: short protein forms R146W.
Identifiers: ClinVar variation 3606383 (VCV003606383.2).